The following is an entry in ClinVar:

ClinVar aggregate classification (germline): Uncertain significance (1 of 4 stars; one submission).

gnomAD v4.1: 2 of 1,601,032 alleles (0.00012%); highest among the groups gnomAD compares: Non-Finnish European, 0.00017%; no homozygotes.

Submission:

GeneDx
Classification: Uncertain significance. Last evaluated: 2026-03-31. Review status: criteria provided, single submitter. Criteria: GeneDx Variant Classification Process June 2021. Collection method: clinical testing. Allele origin: germline.
Comment: Nonsense variant predicted to result in protein truncation or nonsense mediated decay in a gene for which loss of function is a known mechanism of disease; Has not been previously published as pathogenic or benign to our knowledge

NM_021926.4(ALX4):c.27C>G (p.Tyr9Ter)

Gene: ALX4 (ALX homeobox 4; minus strand). Cytogenetic location: 11p11.2.
Variant type: single nucleotide variant.
Coding change: c.27C>G on transcript NM_021926.4 (MANE Select); coding-DNA position 27, C replaced by G.
Protein change: p.Tyr9Ter; replaces tyrosine 9 with a stop codon.
Molecular consequence: nonsense.
Genome position (GRCh38, 1-based): chr11:44,310,036, G>C on the plus strand (C>G on the coding strand, the complement: ALX4 is on the minus strand). VCF-style: chr11-44310036-G-C. GRCh37 (hg19) VCF-style: chr11-44331586-G-C.
Other names: short protein forms Y9*.
Identifiers: ClinVar variation 5018030 (VCV005018030.1).